The following is an entry in ClinVar:

ClinVar aggregate classification (germline): Uncertain significance (1 of 4 stars; one submission).

Conditions:
Retinoblastoma (RB1). Also called: RETINOBLASTOMA, SOMATIC. Identifiers: Orphanet 790, MedGen C0035335, MeSH D012175, MONDO:0008380, OMIM 180200, HP:0009919. Disease mechanism: loss of function. Inheritance: Both sporadic and heritable forms are tested..

Submission:

All of Us Research Program, National Institutes of Health
Classification: Uncertain significance for Retinoblastoma. Last evaluated: 2023-08-23. Review status: criteria provided, single submitter. Criteria: ACMG Guidelines, 2015. Collection method: clinical testing. Allele origin: germline. Inheritance: Autosomal dominant inheritance. Observed: 1 variant allele, 1 heterozygote.
Comment: This missense variant replaces leucine with valine at codon 331 of the RB1 protein. Computational prediction suggests that this variant may not impact protein structure and function (internally defined REVEL score threshold <= 0.5, PMID: 27666373). To our knowledge, functional studies have not been reported for this variant. This variant has not been reported in individuals affected with RB1-related disorders in the literature. This variant has not been identified in the general population by the Genome Aggregation Database (gnomAD). The available evidence is insufficient to determine the role of this variant in disease conclusively. Therefore, this variant is classified as a Variant of Uncertain Significance.

This study involves interpretation of variants in research participants for the purpose of population health screening. Participant phenotype was not available at the time of variant classification. Additional details can be found in publication PMID: 35346344, PMCID: PMC8962531

NM_000321.3(RB1):c.991C>G (p.Leu331Val)

Gene: RB1 (RB transcriptional corepressor 1; plus strand). Cytogenetic location: 13q14.2.
Variant type: single nucleotide variant.
Coding change: c.991C>G on transcript NM_000321.3 (MANE Select); coding-DNA position 991, C replaced by G.
Protein change: p.Leu331Val; replaces leucine 331 with valine.
Molecular consequence: missense variant.
Genome position (GRCh38, 1-based): chr13:48,367,545, C>G. VCF-style: chr13-48367545-C-G. GRCh37 (hg19) VCF-style: chr13-48941681-C-G.
Other names: c.991C>G, p.Leu331Val (NM_001407165.1, NM_001407166.1); short protein forms L331V.
Identifiers: ClinVar variation 3073146 (VCV003073146.1), dbSNP rs2138121253, ClinGen allele CA388160741.